The following is an entry in ClinVar:

NM_152564.5(VPS13B):c.10138C>A (p.His3380Asn)

Gene: VPS13B (vacuolar protein sorting 13 homolog B; plus strand). Cytogenetic location: 8q22.2.
Variant type: single nucleotide variant.
Coding change: c.10138C>A on transcript NM_152564.5 (MANE Select); coding-DNA position 10138, C replaced by A.
Protein change: p.His3380Asn; replaces histidine 3380 with asparagine.
Molecular consequence: missense variant.
Genome position (GRCh38, 1-based): chr8:99,853,527, C>A. VCF-style: chr8-99853527-C-A. GRCh37 (hg19) VCF-style: chr8-100865755-C-A.
Other names: c.10213C>A, p.His3405Asn (NM_017890.5); short protein forms H3380N, H3405N.
Identifiers: ClinVar variation 2875969 (VCV002875969.1), dbSNP rs2492236378, ClinGen allele CA371780864.

ClinVar aggregate classification (germline): Uncertain significance (1 of 4 stars; one submission).

Conditions:
Cohen syndrome (COH1). Also called: PEPPER SYNDROME; Cutis verticis gyrata, retinitis pigmentosa, and sensorineural deafness. Identifiers: Orphanet 193, MedGen C0265223, MONDO:0008999, OMIM 216550.

Submission:

Labcorp Genetics (formerly Invitae), Labcorp
Classification: Uncertain significance for Cohen syndrome. Last evaluated: 2023-11-07. Review status: criteria provided, single submitter. Criteria: Invitae Variant Classification Sherloc (09022015). Collection method: clinical testing. Allele origin: germline.
Comment: This sequence change replaces histidine, which is basic and polar, with asparagine, which is neutral and polar, at codon 3405 of the VPS13B protein (p.His3405Asn). This variant is not present in population databases (gnomAD no frequency). This variant has not been reported in the literature in individuals affected with VPS13B-related conditions. Advanced modeling of protein sequence and biophysical properties (such as structural, functional, and spatial information, amino acid conservation, physicochemical variation, residue mobility, and thermodynamic stability) performed at Invitae indicates that this missense variant is not expected to disrupt VPS13B protein function with a negative predictive value of 80%. In summary, the available evidence is currently insufficient to determine the role of this variant in disease. Therefore, it has been classified as a Variant of Uncertain Significance.